The following is an entry in ClinVar:

ClinVar aggregate classification (germline): Uncertain significance (1 of 4 stars; one submission).

Conditions:
Autosomal recessive limb-girdle muscular dystrophy type 2J (LGMDR10). Also called: Limb-girdle muscular dystrophy, type 2J; MUSCULAR DYSTROPHY, LIMB-GIRDLE, AUTOSOMAL RECESSIVE 10. Identifiers: Orphanet 140922, MedGen C1837342, MONDO:0012127, OMIM 608807.
Dilated cardiomyopathy 1G (CMD1G). Identifiers: Orphanet 154, MedGen C1858763, MONDO:0011400, OMIM 604145.

Submission:

Labcorp Genetics (formerly Invitae), Labcorp
Classification: Uncertain significance for Dilated cardiomyopathy 1G; Autosomal recessive limb-girdle muscular dystrophy type 2J. Last evaluated: 2026-01-26. Review status: criteria provided, single submitter. Criteria: Invitae Variant Classification Sherloc (09022015). Collection method: clinical testing. Allele origin: germline.
Comment: This sequence change replaces aspartic acid, which is acidic and polar, with glutamic acid, which is acidic and polar, at codon 33824 of the TTN protein (p.Asp33824Glu). This variant is not present in population databases (gnomAD no frequency). This variant has not been reported in the literature in individuals affected with TTN-related conditions. ClinVar contains an entry for this variant (Variation ID: 639693). Experimental studies and prediction algorithms are not available or were not evaluated, and the functional significance of this variant is currently unknown. This variant is located in the M band of TTN (PMID: 25589632). Non-truncating variants in this region may be relevant for neuromuscular disorders, but have not been definitively shown to cause cardiomyopathy (PMID: 23975875). In summary, the available evidence is currently insufficient to determine the role of this variant in disease. Therefore, it has been classified as a Variant of Uncertain Significance.

Literature cited by the submitters: PubMed 25589632; PubMed 23975875.

NM_001267550.2(TTN):c.101472T>A (p.Asp33824Glu)

Genes: TTN (titin; minus strand), TTN-AS1 (TTN antisense RNA 1; plus strand). Cytogenetic location: 2q31.2.
Variant type: single nucleotide variant.
Coding change: c.101472T>A on transcript NM_001267550.2 (MANE Select); coding-DNA position 101472, T replaced by A.
Protein change: p.Asp33824Glu; replaces aspartic acid 33824 with glutamic acid.
Molecular consequence: missense variant.
Genome position (GRCh38, 1-based): chr2:178,535,143, A>T on the plus strand (T>A on the coding strand, the complement: TTN is on the minus strand). VCF-style: chr2-178535143-A-T. GRCh37 (hg19) VCF-style: chr2-179399870-A-T.
Other names: c.96549T>A, p.Asp32183Glu (NM_001256850.1); c.74277T>A, p.Asp24759Glu (NM_003319.4); c.93768T>A, p.Asp31256Glu (NM_133378.4); c.74652T>A, p.Asp24884Glu (NM_133432.3); c.74853T>A, p.Asp24951Glu (NM_133437.4); short protein forms D24951E, D24884E, D32183E, D33824E, D24759E, D31256E.
Identifiers: ClinVar variation 639693 (VCV000639693.7), dbSNP rs1575290013, ClinGen allele CA349420632.